The following is an entry in ClinVar:

NM_001378328.1(CELSR1):c.1473C>G (p.Asn491Lys)

Gene: CELSR1 (cadherin EGF LAG seven-pass G-type receptor 1; minus strand). Cytogenetic location: 22q13.31.
Variant type: single nucleotide variant.
Coding change: c.1473C>G on transcript NM_001378328.1 (MANE Select); coding-DNA position 1473, C replaced by G.
Protein change: p.Asn491Lys; replaces asparagine 491 with lysine.
Molecular consequence: missense variant.
Genome position (GRCh38, 1-based): chr22:46,535,698, G>C on the plus strand (C>G on the coding strand, the complement: CELSR1 is on the minus strand). VCF-style: chr22-46535698-G-C. GRCh37 (hg19) VCF-style: chr22-46931595-G-C.
Other names: c.1473C>G, p.Asn491Lys (NM_014246.4); short protein forms N491K.
Identifiers: ClinVar variation 3352097 (VCV003352097.1).
Genomic context (GRCh38, chr22:46,535,698, plus strand): 5'-CGAGTGCAGGTAGAACTGGCCGGCCACGTTCCCGCTGAGGATGCTGTAGTGAATGGCCGC[G>C]TTCTGGCCCTGGTCCCGGTCCGTGGCCTGCACTCGCAGCACAGCCGTGTTGAGCCCCACG-3'
Protein context (NP_001365257.1, residues 481-501): VQATDRDQGQ[Asn491Lys]AAIHYSILSG

ClinVar aggregate classification (germline): Uncertain significance (0 of 4 stars; one submission).

Conditions:
CELSR1-related disorder. Also called: CELSR1-related condition.

Submission:

PreventionGenetics, part of Exact Sciences
Classification: Uncertain significance for CELSR1-related condition. Last evaluated: 2024-06-28. Review status: no assertion criteria provided. Collection method: clinical testing. Allele origin: germline.
Comment: The CELSR1 c.1473C>G variant is predicted to result in the amino acid substitution p.Asn491Lys. To our knowledge, this variant has not been reported in the literature or in a large population database, indicating this variant is rare. At this time, the clinical significance of this variant is uncertain due to the absence of conclusive functional and genetic evidence.